The following is an entry in ClinVar:

NM_004958.4(MTOR):c.2109G>C (p.Gln703His)

Gene: MTOR (mechanistic target of rapamycin kinase; minus strand). Cytogenetic location: 1p36.22.
Variant type: single nucleotide variant.
Coding change: c.2109G>C on transcript NM_004958.4 (MANE Select); coding-DNA position 2109, G replaced by C.
Protein change: p.Gln703His; replaces glutamine 703 with histidine.
Molecular consequence: missense variant.
Genome position (GRCh38, 1-based): chr1:11,237,942, C>G on the plus strand (G>C on the coding strand, the complement: MTOR is on the minus strand). VCF-style: chr1-11237942-C-G. GRCh37 (hg19) VCF-style: chr1-11297999-C-G.
Other names: c.2109G>C, p.Gln703His (NM_001386500.1); c.861G>C, p.Gln287His (NM_001386501.1); short protein forms Q703H, Q287H.
Identifiers: ClinVar variation 1997111 (VCV001997111.4), dbSNP rs2100898572, ClinGen allele CA338387613.

ClinVar aggregate classification (germline): Uncertain significance (1 of 4 stars; one submission).

Submission:

Labcorp Genetics (formerly Invitae), Labcorp
Classification: Uncertain significance. Last evaluated: 2024-10-22. Review status: criteria provided, single submitter. Criteria: Invitae Variant Classification Sherloc (09022015). Collection method: clinical testing. Allele origin: germline.
Comment: This sequence change replaces glutamine, which is neutral and polar, with histidine, which is basic and polar, at codon 703 of the MTOR protein (p.Gln703His). This variant is not present in population databases (gnomAD no frequency). This variant has not been reported in the literature in individuals affected with MTOR-related conditions. ClinVar contains an entry for this variant (Variation ID: 1997111). Invitae Evidence Modeling of protein sequence and biophysical properties (such as structural, functional, and spatial information, amino acid conservation, physicochemical variation, residue mobility, and thermodynamic stability) indicates that this missense variant is not expected to disrupt MTOR protein function with a negative predictive value of 95%. In summary, the available evidence is currently insufficient to determine the role of this variant in disease. Therefore, it has been classified as a Variant of Uncertain Significance.